The following is an entry in ClinVar:

ClinVar aggregate classification (germline): Uncertain significance (1 of 4 stars; one submission).

Conditions:
Hereditary spastic paraplegia 11. Also called: Spastic paraplegia, mental retardation and thin corpus callosum; SPASTIC PARAPLEGIA, AUTOSOMAL RECESSIVE, COMPLICATED, WITH THIN CORPUS CALLOSUM; SPASTIC PARAPLEGIA, AUTOSOMAL RECESSIVE, WITH MENTAL IMPAIRMENT AND THIN CORPUS CALLOSUM; Spastic Paraplegia 11; Nakamura Osame syndrome; Autosomal recessive hereditary spastic paraplegia, mental impairment, and thin corpus callosum. Identifiers: Orphanet 2822, MedGen C1858479, MONDO:0011445, OMIM 604360.

Submission:

Labcorp Genetics (formerly Invitae), Labcorp
Classification: Uncertain significance for Hereditary spastic paraplegia 11. Last evaluated: 2022-08-01. Review status: criteria provided, single submitter. Criteria: Invitae Variant Classification Sherloc (09022015). Collection method: clinical testing. Allele origin: germline.
Comment: This sequence change replaces glutamine, which is neutral and polar, with proline, which is neutral and non-polar, at codon 906 of the SPG11 protein (p.Gln906Pro). This variant is not present in population databases (gnomAD no frequency). This variant has not been reported in the literature in individuals affected with SPG11-related conditions. Algorithms developed to predict the effect of missense changes on protein structure and function are either unavailable or do not agree on the potential impact of this missense change (SIFT: "Tolerated"; PolyPhen-2: "Possibly Damaging"; Align-GVGD: "Class C0"). In summary, the available evidence is currently insufficient to determine the role of this variant in disease. Therefore, it has been classified as a Variant of Uncertain Significance.

NM_025137.4(SPG11):c.2717A>C (p.Gln906Pro)

Gene: SPG11 (SPG11 vesicle trafficking associated, spatacsin; minus strand). Cytogenetic location: 15q21.1.
Variant type: single nucleotide variant.
Coding change: c.2717A>C on transcript NM_025137.4 (MANE Select); coding-DNA position 2717, A replaced by C.
Protein change: p.Gln906Pro; replaces glutamine 906 with proline.
Molecular consequence: missense variant.
Genome position (GRCh38, 1-based): chr15:44,620,307, T>G on the plus strand (A>C on the coding strand, the complement: SPG11 is on the minus strand). VCF-style: chr15-44620307-T-G. GRCh37 (hg19) VCF-style: chr15-44912505-T-G.
Other names: c.2717A>C, p.Gln906Pro (NM_001160227.2, NM_001411132.1); short protein forms Q906P.
Identifiers: ClinVar variation 2419370 (VCV002419370.3), dbSNP rs2083706533, ClinGen allele CA392230782.